The following is an entry in ClinVar:

ClinVar aggregate classification (germline): Uncertain significance (1 of 4 stars; one submission).

Conditions:
Hepatic veno-occlusive disease-immunodeficiency syndrome. Also called: Hepatic Veno-Occlusive Disease with Immunodeficiency. Identifiers: Orphanet 79124, MedGen C1856128, MONDO:0009338, OMIM 235550. Disease mechanism: loss of function.

Allele frequency attached by ClinVar (database versions not stated): gnomAD exomes below 0.00001; TOPMed below 0.00001; gnomAD 0.00001.
gnomAD v4.1: 2 of 1,613,948 alleles (0.00012%); highest among the groups gnomAD compares: African/African-American, 0.0013%; no homozygotes.

Submission:

Baylor Genetics
Classification: Uncertain significance for Hepatic veno-occlusive disease-immunodeficiency syndrome. Last evaluated: 2019-02-11. Review status: criteria provided, single submitter. Criteria: ACMG Guidelines, 2015. Collection method: clinical testing. Allele origin: paternal. Affected: yes.
Comment: This variant was determined to be of uncertain significance according to ACMG Guidelines, 2015 [PMID:25741868].

NM_080424.4(SP110):c.1448G>A (p.Gly483Glu)

Gene: SP110 (SP110 nuclear body protein; minus strand). Cytogenetic location: 2q37.1.
Variant type: single nucleotide variant.
Coding change: c.1448G>A on transcript NM_080424.4 (MANE Select); coding-DNA position 1448, G replaced by A.
Protein change: p.Gly483Glu; replaces glycine 483 with glutamic acid.
Molecular consequence: missense variant.
Genome position (GRCh38, 1-based): chr2:230,177,680, C>T on the plus strand (G>A on the coding strand, the complement: SP110 is on the minus strand). VCF-style: chr2-230177680-C-T. GRCh37 (hg19) VCF-style: chr2-231042396-C-T.
Other names: c.1466G>A, p.Gly489Glu (NM_001185015.2, NM_001378442.1, NM_001378444.1 and 2 more transcripts); c.1448G>A, p.Gly483Glu (NM_001378443.1, NM_004509.5, NM_004510.4); c.1298G>A, p.Gly433Glu (NM_001378447.1); short protein forms G489E, G433E, G483E.
Identifiers: ClinVar variation 1028770 (VCV001028770.1), dbSNP rs534248634, ClinGen allele CA2154487.
Genomic context (GRCh38, chr2:230,177,680, plus strand): 5'-TCAAATTCATTTGGTGTTAACCAAGTTCCATCCTCATTCCGAATGCACTTCACTGAGGAT[C>T]CTGTAAGAAAAAGCCCATTCTTGGATCTACCCCCATCCTCTGTGAATTCACCCTGAACCT-3'
Protein context (NP_536349.3, residues 473-493): GILYKKKMKH[Gly483Glu]SSVKCIRNED